The following is an entry in ClinVar:

NM_005677.4(COLQ):c.466-31C>T

Gene: COLQ (collagen like tail subunit of asymmetric acetylcholinesterase; minus strand). Cytogenetic location: 3p25.1.
Variant type: single nucleotide variant.
Coding change: c.466-31C>T on transcript NM_005677.4 (MANE Select); 31 bases into the intron before coding-DNA position 466, C replaced by T.
Molecular consequence: intron variant.
Genome position (GRCh38, 1-based): chr3:15,475,518, G>A on the plus strand (C>T on the coding strand, the complement: COLQ is on the minus strand). VCF-style: chr3-15475518-G-A. GRCh37 (hg19) VCF-style: chr3-15517025-G-A.
Other names: c.364-31C>T (NM_080539.4); c.436-31C>T (NM_080538.2).
Identifiers: ClinVar variation 679253 (VCV000679253.5), dbSNP rs2305615, ClinGen allele CA2276148.

ClinVar aggregate classification (germline): Benign. Review status: criteria provided, multiple submitters, no conflicts (2 of 4 stars). 3 submissions from 3 submitters: Benign (3). Last evaluated 2021-07-30.

Conditions:
Congenital myasthenic syndrome 5. Identifiers: Orphanet 590, MedGen C1864233, MONDO:0011281, OMIM 603034.

Allele frequency attached by ClinVar (database versions not stated): gnomAD exomes 0.43071 and 0.43568; gnomAD 0.46795 and 0.47165; ESP Exome Variant Server 0.47774; TOPMed 0.47983; 1000 Genomes Project 0.48223; 1000 Genomes Project 30x 0.48345; ExAC 0.48424.
gnomAD v4.1: 685,222 of 1,557,762 alleles (44%); highest among the groups gnomAD compares: African/African-American, 58%; 152,912 homozygotes.

Submissions (3):

Genome-Nilou Lab
Classification: Benign for Congenital myasthenic syndrome 5. Last evaluated: 2021-07-30. Review status: criteria provided, single submitter. Criteria: ACMG Guidelines, 2015. Collection method: clinical testing. Allele origin: germline. Affected: no.

GeneDx
Classification: Benign. Last evaluated: 2018-06-19. Review status: criteria provided, single submitter. Criteria: GeneDx Variant Classification (06012015). Collection method: clinical testing. Allele origin: germline. Affected: yes.
Comment: This variant is considered likely benign or benign based on one or more of the following criteria: it is a conservative change, it occurs at a poorly conserved position in the protein, it is predicted to be benign by multiple in silico algorithms, and/or has population frequency not consistent with disease.

Breakthrough Genomics
Classification: Benign. Review status: criteria provided, single submitter. Criteria: ACMG Guidelines, 2015. Collection method: not provided. Allele origin: germline. Inheritance: Autosomal recessive inheritance. Affected: yes.